The following is an entry in ClinVar:

ClinVar aggregate classification (germline): Benign (1 of 4 stars; one submission).

Allele frequency attached by ClinVar (database versions not stated): TOPMed 0.00043; ExAC 0.00044; gnomAD 0.00045 and 0.00046; gnomAD exomes 0.00057 and 0.00068; ESP Exome Variant Server 0.00077.
gnomAD v4.1: 1,048 of 1,613,110 alleles (0.065%); highest among the groups gnomAD compares: Non-Finnish European, 0.075%; 1 homozygote.

Submission:

GeneDx
Classification: Benign. Last evaluated: 2015-09-15. Review status: criteria provided, single submitter. Criteria: GeneDx Variant Classification (06012015). Collection method: clinical testing. Allele origin: germline. Affected: yes.
Comment: This variant is considered likely benign or benign based on one or more of the following criteria: it is a conservative change, it occurs at a poorly conserved position in the protein, it is predicted to be benign by multiple in silico algorithms, and/or has population frequency not consistent with disease.

NM_006351.4(TIMM44):c.423C>T (p.Leu141=)

Gene: TIMM44 (translocase of inner mitochondrial membrane 44; minus strand). Cytogenetic location: 19p13.2.
Variant type: single nucleotide variant.
Coding change: c.423C>T on transcript NM_006351.4 (MANE Select); coding-DNA position 423, C replaced by T.
Protein change: p.Leu141=; no amino-acid change (leucine 141 retained).
Molecular consequence: synonymous variant.
Genome position (GRCh38, 1-based): chr19:7,934,209, G>A on the plus strand (C>T on the coding strand, the complement: TIMM44 is on the minus strand). VCF-style: chr19-7934209-G-A. GRCh37 (hg19) VCF-style: chr19-7999094-G-A.
Identifiers: ClinVar variation 378731 (VCV000378731.1), dbSNP rs143021819, ClinGen allele CA9149856.